The following is an entry in ClinVar:

ClinVar aggregate classification (germline): Uncertain significance. Review status: criteria provided, multiple submitters, no conflicts (2 of 4 stars). 2 submissions from 2 submitters: Uncertain significance (2). Last evaluated 2023-10-03.

Conditions:
Inborn genetic diseases. Identifiers: MedGen C0950123, MeSH D030342.

Allele frequency attached by ClinVar (database versions not stated): ExAC 0.00001; gnomAD exomes 0.00002; gnomAD 0.00004; TOPMed 0.00006.
gnomAD v4.1: 33 of 1,614,042 alleles (0.002%); highest among the groups gnomAD compares: Middle Eastern, 0.066%; no homozygotes.

Submissions (2):

Mayo Clinic Laboratories, Mayo Clinic
Classification: Uncertain significance. Last evaluated: 2023-10-03. Review status: criteria provided, single submitter. Criteria: ACMG Guidelines, 2015. Collection method: clinical testing. Allele origin: germline. Observed: 1 variant allele.
Comment: PM2_moderate

Ambry Genetics
Classification: Uncertain significance for Inborn genetic diseases. Last evaluated: 2021-09-01. Review status: criteria provided, single submitter. Criteria: Ambry Variant Classification Scheme 2023. Collection method: clinical testing. Allele origin: germline.

NM_005689.4(ABCB6):c.2063G>A (p.Arg688His)

Gene: ABCB6 (ATP binding cassette subfamily B member 6 (LAN blood group); minus strand). Cytogenetic location: 2q35.
Variant type: single nucleotide variant.
Coding change: c.2063G>A on transcript NM_005689.4 (MANE Select); coding-DNA position 2063, G replaced by A.
Protein change: p.Arg688His; replaces arginine 688 with histidine.
Molecular consequence: missense variant.
Genome position (GRCh38, 1-based): chr2:219,211,014, C>T on the plus strand (G>A on the coding strand, the complement: ABCB6 is on the minus strand). VCF-style: chr2-219211014-C-T. GRCh37 (hg19) VCF-style: chr2-220075736-C-T.
Other names: p.Arg688His; c.1925G>A, p.Arg642His (NM_001349828.2); short protein forms R688H, R642H.
Identifiers: ClinVar variation 2339438 (VCV002339438.3), dbSNP rs757264353, ClinGen allele CA2119075.